The following is an entry in ClinVar:

NM_014314.4(RIGI):c.2616C>G (p.Asp872Glu)

Gene: RIGI (RNA sensor RIG-I; minus strand). Cytogenetic location: 9p21.1.
Variant type: single nucleotide variant.
Coding change: c.2616C>G on transcript NM_014314.4 (MANE Select); coding-DNA position 2616, C replaced by G.
Protein change: p.Asp872Glu; replaces aspartic acid 872 with glutamic acid.
Molecular consequence: missense variant.
Genome position (GRCh38, 1-based): chr9:32,457,284, G>C on the plus strand (C>G on the coding strand, the complement: RIGI is on the minus strand). VCF-style: chr9-32457284-G-C. GRCh37 (hg19) VCF-style: chr9-32457282-G-C.
Other names: c.2610C>G, p.Asp870Glu (NM_001385907.1); c.2445C>G, p.Asp815Glu (NM_001385909.1); c.2175C>G, p.Asp725Glu (NM_001385910.1); c.2007C>G, p.Asp669Glu (NM_001385912.1); c.2601C>G, p.Asp867Glu (NM_001385913.1); c.2172C>G, p.Asp724Glu (NM_001385914.1); short protein forms D870E, D724E, D725E, D815E, D669E, D867E, D872E.
Identifiers: ClinVar variation 2784631 (VCV002784631.3), dbSNP rs2489277163, ClinGen allele CA373142003.

ClinVar aggregate classification (germline): Uncertain significance (1 of 4 stars; one submission).

Allele frequency attached by ClinVar (database versions not stated): gnomAD exomes below 0.00001.
gnomAD v4.1: 1 of 1,614,092 alleles (0.000062%); highest among the groups gnomAD compares: Non-Finnish European, 0.000085%; no homozygotes.

Submission:

Labcorp Genetics (formerly Invitae), Labcorp
Classification: Uncertain significance. Last evaluated: 2023-11-15. Review status: criteria provided, single submitter. Criteria: Invitae Variant Classification Sherloc (09022015). Collection method: clinical testing. Allele origin: germline.
Comment: This sequence change replaces aspartic acid, which is acidic and polar, with glutamic acid, which is acidic and polar, at codon 872 of the DDX58 protein (p.Asp872Glu). This variant is not present in population databases (gnomAD no frequency). This variant has not been reported in the literature in individuals affected with DDX58-related conditions. Advanced modeling of protein sequence and biophysical properties (such as structural, functional, and spatial information, amino acid conservation, physicochemical variation, residue mobility, and thermodynamic stability) performed at Invitae indicates that this missense variant is not expected to disrupt DDX58 protein function with a negative predictive value of 80%. In summary, the available evidence is currently insufficient to determine the role of this variant in disease. Therefore, it has been classified as a Variant of Uncertain Significance.